The following is an entry in ClinVar:

NM_000287.4(PEX6):c.695C>T (p.Ser232Leu)

Gene: PEX6 (peroxisomal biogenesis factor 6; minus strand). Cytogenetic location: 6p21.1.
Variant type: single nucleotide variant.
Coding change: c.695C>T on transcript NM_000287.4 (MANE Select); coding-DNA position 695, C replaced by T.
Protein change: p.Ser232Leu; replaces serine 232 with leucine.
Molecular consequence: missense variant. On other transcripts: non-coding transcript variant (1), intron variant (1).
Genome position (GRCh38, 1-based): chr6:42,978,456, G>A on the plus strand (C>T on the coding strand, the complement: PEX6 is on the minus strand). VCF-style: chr6-42978456-G-A. GRCh37 (hg19) VCF-style: chr6-42946194-G-A.
Other names: c.618+77C>T (NM_001316313.2); short protein forms S232L.
Identifiers: ClinVar variation 2195645 (VCV002195645.1), dbSNP rs763206048, ClinGen allele CA3811584.

ClinVar aggregate classification (germline): Uncertain significance (1 of 4 stars; one submission).

Conditions:
Peroxisome biogenesis disorder. Identifiers: Orphanet 79189, MedGen C1832200, MONDO:0019234. Disease mechanism: loss of function.

Allele frequency attached by ClinVar (database versions not stated): ExAC 0.00002; gnomAD 0.00003; TOPMed 0.00003.
gnomAD v4.1: 28 of 1,614,012 alleles (0.0017%); highest among the groups gnomAD compares: Non-Finnish European, 0.0023%; no homozygotes.

Submission:

Labcorp Genetics (formerly Invitae), Labcorp
Classification: Uncertain significance for Peroxisome biogenesis disorder. Last evaluated: 2022-03-27. Review status: criteria provided, single submitter. Criteria: Invitae Variant Classification Sherloc (09022015). Collection method: clinical testing. Allele origin: germline.
Comment: This sequence change replaces serine, which is neutral and polar, with leucine, which is neutral and non-polar, at codon 232 of the PEX6 protein (p.Ser232Leu). This variant is present in population databases (rs763206048, gnomAD 0.004%). This variant has not been reported in the literature in individuals affected with PEX6-related conditions. Algorithms developed to predict the effect of missense changes on protein structure and function (SIFT, PolyPhen-2, Align-GVGD) all suggest that this variant is likely to be tolerated. In summary, the available evidence is currently insufficient to determine the role of this variant in disease. Therefore, it has been classified as a Variant of Uncertain Significance.